The following is an entry in ClinVar:

NM_024809.5(TCTN2):c.1370C>T (p.Thr457Met)

Gene: TCTN2 (tectonic family member 2; plus strand). Cytogenetic location: 12q24.31.
Variant type: single nucleotide variant.
Coding change: c.1370C>T on transcript NM_024809.5 (MANE Select); coding-DNA position 1370, C replaced by T.
Protein change: p.Thr457Met; replaces threonine 457 with methionine.
Molecular consequence: missense variant.
Genome position (GRCh38, 1-based): chr12:123,696,472, C>T. VCF-style: chr12-123696472-C-T. GRCh37 (hg19) VCF-style: chr12-124181019-C-T.
Other names: c.1367C>T, p.Thr456Met (NM_001143850.3); short protein forms T456M, T457M.
Identifiers: ClinVar variation 1412718 (VCV001412718.6), dbSNP rs202078439, ClinGen allele CA6861187.
Genomic context (GRCh38, chr12:123,696,472, plus strand): 5'-TAGGTTACCAACTTGGCAAGCCTGTCCGAGCTCTAAATATCAACAGGATGAATAATGTCA[C>T]GACTTTACATCTTTGGCAATCGGGTAATCCGGTTTGGTCATTATGATTAGCCCTTTGGCA-3'
Protein context (NP_079085.2, residues 447-467): ALNINRMNNV[Thr457Met]TLHLWQSAGR

ClinVar aggregate classification (germline): Uncertain significance (1 of 4 stars; one submission).

Conditions:
Joubert syndrome. Also called: CEREBELLOPARENCHYMAL DISORDER IV; JOUBERT-BOLTSHAUSER SYNDROME; Familial aplasia of the vermis. Identifiers: Orphanet 475, MedGen C5979921, MONDO:0018772.
Meckel-Gruber syndrome. Also called: DYSENCEPHALIA SPLANCHNOCYSTICA; GRUBER SYNDROME; Dysencephalia splachnocystica. Identifiers: Orphanet 564, MedGen C0265215, MONDO:0018921.

Allele frequency attached by ClinVar (database versions not stated): gnomAD exomes below 0.00001 and 0.00003; gnomAD 0.00001; ExAC 0.00002; TOPMed 0.00003.
gnomAD v4.1: 7 of 1,613,946 alleles (0.00043%); highest among the groups gnomAD compares: Admixed American, 0.0067%; no homozygotes.

Submission:

Labcorp Genetics (formerly Invitae), Labcorp
Classification: Uncertain significance for Joubert syndrome; Meckel-Gruber syndrome. Last evaluated: 2025-01-13. Review status: criteria provided, single submitter. Criteria: Invitae Variant Classification Sherloc (09022015). Collection method: clinical testing. Allele origin: germline.
Comment: This sequence change replaces threonine, which is neutral and polar, with methionine, which is neutral and non-polar, at codon 457 of the TCTN2 protein (p.Thr457Met). This variant is present in population databases (rs202078439, gnomAD 0.01%). This variant has not been reported in the literature in individuals affected with TCTN2-related conditions. ClinVar contains an entry for this variant (Variation ID: 1412718). Invitae Evidence Modeling of protein sequence and biophysical properties (such as structural, functional, and spatial information, amino acid conservation, physicochemical variation, residue mobility, and thermodynamic stability) indicates that this missense variant is expected to disrupt TCTN2 protein function with a positive predictive value of 80%. Algorithms developed to predict the effect of sequence changes on RNA splicing suggest that this variant may disrupt the consensus splice site. In summary, the available evidence is currently insufficient to determine the role of this variant in disease. Therefore, it has been classified as a Variant of Uncertain Significance.